The following is an entry in ClinVar:

NM_001715.3(BLK):c.157G>A (p.Asp53Asn)

Gene: BLK (BLK proto-oncogene, Src family tyrosine kinase). Cytogenetic location: 8p23.1.
Variant type: single nucleotide variant.
Coding change: c.157G>A on transcript NM_001715.3 (MANE Select); coding-DNA position 157, G replaced by A.
Protein change: p.Asp53Asn; replaces aspartic acid 53 with asparagine.
Molecular consequence: missense variant. On other transcripts: 5 prime UTR variant (1).
Genome position (GRCh38, 1-based): chr8:11,546,085, G>A. VCF-style: chr8-11546085-G-A. GRCh37 (hg19) VCF-style: chr8-11403594-G-A.
Other names: c.-57G>A (NM_001330465.2); short protein forms D53N.
Identifiers: ClinVar variation 1437202 (VCV001437202.8), dbSNP rs377676972, ClinGen allele CA4629716.

ClinVar aggregate classification (germline): Uncertain significance (1 of 4 stars; one submission).

Allele frequency attached by ClinVar (database versions not stated): ExAC 0.00008; ESP Exome Variant Server 0.00008; gnomAD exomes 0.00008 and 0.00011; gnomAD 0.00009; TOPMed 0.00015; 1000 Genomes Project 0.00020; 1000 Genomes Project 30x 0.00031.
gnomAD v4.1: 126 of 1,614,168 alleles (0.0078%); highest among the groups gnomAD compares: Admixed American, 0.043%; no homozygotes.

Submission:

Labcorp Genetics (formerly Invitae), Labcorp
Classification: Uncertain significance. Last evaluated: 2026-01-26. Review status: criteria provided, single submitter. Criteria: Invitae Variant Classification Sherloc (09022015). Collection method: clinical testing. Allele origin: germline.
Comment: This sequence change replaces aspartic acid, which is acidic and polar, with asparagine, which is neutral and polar, at codon 53 of the BLK protein (p.Asp53Asn). This variant is present in population databases (rs377676972, gnomAD 0.04%). This variant has not been reported in the literature in individuals affected with BLK-related conditions. ClinVar contains an entry for this variant (Variation ID: 1437202). An algorithm developed to predict the effect of missense changes on protein structure and function outputs the following: PolyPhen-2: "Benign". The asparagine amino acid residue is found in multiple mammalian species, which suggests that this missense change does not adversely affect protein function. In summary, the available evidence is currently insufficient to determine the role of this variant in disease. Therefore, it has been classified as a Variant of Uncertain Significance.